The following is an entry in ClinVar:

ClinVar aggregate classification (germline): Uncertain significance. Review status: criteria provided, multiple submitters, no conflicts (2 of 4 stars). 2 submissions from 2 submitters: Uncertain significance (2). Last evaluated 2025-05-29.

Conditions:
von Willebrand disease type 1 (VWD1). Also called: VWD, TYPE 1; VON WILLEBRAND DISEASE, TYPE I. Identifiers: Orphanet 166078, Orphanet 903, MedGen C1264039, MONDO:0008668, OMIM 193400. Inheritance: autosomal recessive or autosomal dominant.
Inborn genetic diseases. Identifiers: MedGen C0950123, MeSH D030342.

gnomAD v4.1: 19 of 1,614,192 alleles (0.0012%); highest among the groups gnomAD compares: Non-Finnish European, 0.0014%; no homozygotes.

Submissions (2):

Ambry Genetics
Classification: Uncertain significance for Inborn genetic diseases. Last evaluated: 2025-05-29. Review status: criteria provided, single submitter. Criteria: Ambry Variant Classification Scheme 2023. Collection method: clinical testing. Allele origin: germline.

Pittsburgh Clinical Genomics Laboratory, University of Pittsburgh Medical Center
Classification: Uncertain significance for von Willebrand disease type 1. Last evaluated: 2023-04-14. Review status: criteria provided, single submitter. Criteria: ACMG Guidelines, 2015. Collection method: clinical testing. Allele origin: germline. Inheritance: Autosomal dominant inheritance. Affected: yes.
Comment: This sequence variant is a single nucleotide substitution (T>A) at coding position 5333 of the VWF protein that results in a valine to glutamic acid amino acid change at residue 1778 of the VWF protein. This is a novel variant that has not been previously reported to databases of clinically relevant variants or observed in the literature in individuals with VWF-related disorders, to our knowledge. This variant is absent from the gnomAD population database (0 of ~250,000 alleles). Bioinformatic tools predict that this variant would be damaging, and the Val1778 residue is highly conserved across the vertebrate species examined. This amino acid falls within the VWFA 3 domain, which is important for binding of VWF to collagen proteins; however, functiol studies testing the effect of this variant have not been performed, to our knowledge. At this time, there is insufficient evidence to determine if this variant is pathogenic or benign. Therefore, we consider this to be a variant of uncertain significance. ACMG Criteria: BS4, PM2, PP3

NM_000552.5(VWF):c.5333T>A (p.Val1778Glu)

Gene: VWF (von Willebrand factor; minus strand). Cytogenetic location: 12p13.31.
Variant type: single nucleotide variant.
Coding change: c.5333T>A on transcript NM_000552.5 (MANE Select); coding-DNA position 5333, T replaced by A.
Protein change: p.Val1778Glu; replaces valine 1778 with glutamic acid.
Molecular consequence: missense variant.
Genome position (GRCh38, 1-based): chr12:6,016,211, A>T on the plus strand (T>A on the coding strand, the complement: VWF is on the minus strand). VCF-style: chr12-6016211-A-T. GRCh37 (hg19) VCF-style: chr12-6125377-A-T.
Other names: c.5333T>A (NM_000552.3); short protein forms V1778E.
Identifiers: ClinVar variation 3376336 (VCV003376336.2).